The following is an entry in ClinVar:

NM_025136.4(OPA3):c.313C>T (p.Gln105Ter)

Genes: OPA3 (outer mitochondrial membrane lipid metabolism regulator OPA3; minus strand), OPA3-RTN2 (OPA3-RTN2 readthrough; minus strand). Cytogenetic location: 19q13.32.
Variant type: single nucleotide variant.
Coding change: c.313C>T on transcript NM_025136.4 (MANE Select); coding-DNA position 313, C replaced by T.
Protein change: p.Gln105Ter; replaces glutamine 105 with a stop codon.
Molecular consequence: nonsense. On other transcripts: intron variant (1).
Genome position (GRCh38, 1-based): chr19:45,553,741, G>A on the plus strand (C>T on the coding strand, the complement: OPA3 is on the minus strand). VCF-style: chr19-45553741-G-A. GRCh37 (hg19) VCF-style: chr19-46056999-G-A.
Other names: c.143-24285C>T (NM_001017989.3); c.313C>T (NM_025136.3); short protein forms Q105*.
Identifiers: ClinVar variation 2677420 (VCV002677420.7), dbSNP rs80356525, ClinGen allele CA406370805.

ClinVar aggregate classification (germline): Conflicting classifications of pathogenicity. Review status: criteria provided, conflicting classifications (1 of 4 stars). 5 submissions from 5 submitters: Likely pathogenic (3); Uncertain significance (2). Last evaluated 2025-10-22.

Conditions:
Optic atrophy 3 (OPA3). Also called: OPTIC ATROPHY 3, AUTOSOMAL DOMINANT; Optic atrophy, cataract, and neurologic disorder; Optic atrophy 3 with cataract. Identifiers: Orphanet 67036, MedGen C1833809, MONDO:0008133, OMIM 165300.
3-Methylglutaconic aciduria type 3 (MGCA3). Also called: Costeff Syndrome; OPA3, AUTOSOMAL RECESSIVE; OPTIC ATROPHY 3, AUTOSOMAL RECESSIVE; OPA3-Related 3-Methylglutaconic Aciduria. Identifiers: Orphanet 67047, MedGen C0574084, MONDO:0009787, OMIM 258501.
OPA3-related disorder. Also called: OPA3-related condition.

Allele frequency attached by ClinVar (database versions not stated): TOPMed below 0.00001; gnomAD 0.00001.
gnomAD v4.1: 4 of 1,611,440 alleles (0.00025%); highest among the groups gnomAD compares: African/African-American, 0.0013%; no homozygotes.

Submissions (5):

Labcorp Genetics (formerly Invitae), Labcorp
Classification: Uncertain significance for 3-Methylglutaconic aciduria type 3; Optic atrophy 3. Last evaluated: 2025-10-22. Review status: criteria provided, single submitter. Criteria: Invitae Variant Classification Sherloc (09022015). Collection method: clinical testing. Allele origin: germline.
Comment: This sequence change creates a premature translational stop signal (p.Gln105*) in the OPA3 gene. While this is not anticipated to result in nonsense mediated decay, it is expected to disrupt the last 75 amino acid(s) of the OPA3 protein. This variant is not present in population databases (gnomAD no frequency). This variant has not been reported in the literature in individuals affected with OPA3-related conditions. ClinVar contains an entry for this variant (Variation ID: 2677420). Experimental studies and prediction algorithms are not available or were not evaluated, and the functional significance of this variant is currently unknown. This variant disrupts the C-terminus of the OPA3 protein. Other variant(s) that disrupt this region (p.Gln139*) have been observed in individuals with OPA3-related conditions (PMID: 18985435). This suggests that this may be a clinically significant region of the protein. In summary, the available evidence is currently insufficient to determine the role of this variant in disease. Therefore, it has been classified as a Variant of Uncertain Significance.

PreventionGenetics, part of Exact Sciences
Classification: Uncertain significance for OPA3-related condition. Last evaluated: 2024-11-19. Review status: criteria provided, single submitter. Criteria: ACMG Guidelines, 2015. Collection method: clinical testing. Allele origin: germline.
Comment: The OPA3 c.313C>T variant is predicted to result in premature protein termination (p.Gln105*). To our knowledge, this variant has not been reported in the literature or in a large population database (gnomAD), indicating this variant is rare. Although we suspect that this variant may be pathogenic, at this time, the clinical significance of this variant is uncertain due to the absence of conclusive functional and genetic evidence.

Natera, Inc.
Classification: Likely pathogenic for 3-methylglutaconic aciduria type 3. Last evaluated: 2024-10-03. Review status: criteria provided, single submitter. Criteria: Natera Variant Classification Schema (03/2026). Collection method: clinical testing. Allele origin: germline.
Comment: The c.313C>T variant in OPA3 is a nonsense variant predicted to introduce a stop codon at amino acid 105. This variant is expected to result in nonsense mediated decay, truncation, or a dysfunctional protein product. This variant is rare in the general population with a frequency below the threshold expected for the associated phenotype(s). Given the available evidence, this variant is classified as Likely Pathogenic.

Baylor Genetics
Classification: Likely pathogenic for 3-Methylglutaconic aciduria type 3. Last evaluated: 2023-08-08. Review status: criteria provided, single submitter. Criteria: ACMG Guidelines, 2015. Collection method: clinical testing. Allele origin: unknown.

Blueprint Genetics
Classification: Likely pathogenic for OPA3-related disorders. Last evaluated: 2022-01-25. Review status: criteria provided, single submitter. Criteria: ACMG Guidelines, 2015. Collection method: clinical testing. Allele origin: germline. Affected: yes. Observed: 1 variant allele.

Literature cited by the submitters: PubMed 18985435 (cited by Labcorp Genetics (formerly Invitae), Labcorp).